The following is an entry in ClinVar:

ClinVar aggregate classification (germline): Benign. Review status: criteria provided, multiple submitters, no conflicts (2 of 4 stars). 2 submissions from 2 submitters: Benign (2). Last evaluated 2021-02-25.

Allele frequency attached by ClinVar (database versions not stated): gnomAD exomes 0.46047; gnomAD 0.55806 and 0.56083; TOPMed 0.57211; 1000 Genomes Project 0.60543; 1000 Genomes Project 30x 0.61040.
gnomAD v4.1: 322,832 of 667,834 alleles (48%); highest among the groups gnomAD compares: African/African-American, 76%; 82,147 homozygotes.

Submissions (2):

GeneDx
Classification: Benign. Last evaluated: 2021-02-25. Review status: criteria provided, single submitter. Criteria: GeneDx Variant Classification Process June 2021. Collection method: clinical testing. Allele origin: germline. Affected: yes.
Comment: This variant is associated with the following publications: (PMID: 29275364)

Breakthrough Genomics
Classification: Benign. Review status: criteria provided, single submitter. Criteria: ACMG Guidelines, 2015. Collection method: not provided. Allele origin: germline. Inheritance: Unknown mechanism. Affected: yes.

NM_005605.5(PPP3CC):c.*147G>A

Gene: PPP3CC (protein phosphatase 3 catalytic subunit gamma; plus strand). Cytogenetic location: 8p21.3.
Variant type: single nucleotide variant.
Coding change: c.*147G>A on transcript NM_005605.5 (MANE Select); 147 bases downstream of the stop codon, G replaced by A.
Molecular consequence: 3 prime UTR variant.
Genome position (GRCh38, 1-based): chr8:22,540,949, G>A. VCF-style: chr8-22540949-G-A. GRCh37 (hg19) VCF-style: chr8-22398462-G-A.
Other names: c.*147G>A (NM_001243974.2, NM_001243975.2).
Identifiers: ClinVar variation 1258459 (VCV001258459.3), dbSNP rs7431, ClinGen allele CA15539494.